The following is an entry in ClinVar:

ClinVar aggregate classification (germline): Uncertain significance. Review status: criteria provided, multiple submitters, no conflicts (2 of 4 stars). 4 submissions from 4 submitters: Uncertain significance (4). Last evaluated 2026-07-22.

Conditions:
PDE6B-related disorder. Also called: PDE6B-related disorders; PDE6B-related disease; PDE6B-related condition.
Inborn genetic diseases. Identifiers: MedGen C0950123, MeSH D030342.

Allele frequency attached by ClinVar (database versions not stated): ExAC 0.00002; TOPMed 0.00002; gnomAD 0.00003.
gnomAD v4.1: 31 of 1,611,566 alleles (0.0019%); highest among the groups gnomAD compares: Non-Finnish European, 0.0022%; no homozygotes.

Submissions (4):

PreventionGenetics, part of Exact Sciences
Classification: Uncertain significance for PDE6B-related condition. Last evaluated: 2026-07-22. Review status: criteria provided, single submitter. Criteria: ACMG Guidelines, 2015. Collection method: clinical testing. Allele origin: germline.
Comment: The PDE6B c.2254G>T variant is predicted to result in the amino acid substitution p.Asp752Tyr. To our knowledge, this variant has not been reported in the literature. This variant is reported in 0.0031% of alleles in individuals of European (Non-Finnish) descent in gnomAD. At this time, the clinical significance of this variant is uncertain due to the absence of conclusive functional and genetic evidence.

Ambry Genetics
Classification: Uncertain significance for Inborn genetic diseases. Last evaluated: 2025-11-07. Review status: criteria provided, single submitter. Criteria: Ambry Variant Classification Scheme 2023. Collection method: clinical testing. Allele origin: germline.

Labcorp Genetics (formerly Invitae), Labcorp
Classification: Uncertain significance. Last evaluated: 2025-04-16. Review status: criteria provided, single submitter. Criteria: Invitae Variant Classification Sherloc (09022015). Collection method: clinical testing. Allele origin: germline.
Comment: This sequence change replaces aspartic acid, which is acidic and polar, with tyrosine, which is neutral and polar, at codon 752 of the PDE6B protein (p.Asp752Tyr). This variant is present in population databases (rs200667817, gnomAD 0.003%). This variant has not been reported in the literature in individuals affected with PDE6B-related conditions. ClinVar contains an entry for this variant (Variation ID: 1038602). Invitae Evidence Modeling of protein sequence and biophysical properties (such as structural, functional, and spatial information, amino acid conservation, physicochemical variation, residue mobility, and thermodynamic stability) has been performed for this missense variant. However, the output from this modeling did not meet the statistical confidence thresholds required to predict the impact of this variant on PDE6B protein function. Algorithms developed to predict the effect of sequence changes on RNA splicing suggest that this variant may disrupt the consensus splice site. In summary, the available evidence is currently insufficient to determine the role of this variant in disease. Therefore, it has been classified as a Variant of Uncertain Significance.

Blueprint Genetics
Classification: Uncertain significance. Last evaluated: 2021-12-18. Review status: criteria provided, single submitter. Criteria: ACMG Guidelines, 2015. Collection method: clinical testing. Allele origin: germline.

NM_000283.4(PDE6B):c.2254G>T (p.Asp752Tyr)

Gene: PDE6B (phosphodiesterase 6B; plus strand). Cytogenetic location: 4p16.3.
Variant type: single nucleotide variant.
Coding change: c.2254G>T on transcript NM_000283.4 (MANE Select); coding-DNA position 2254, G replaced by T.
Protein change: p.Asp752Tyr; replaces aspartic acid 752 with tyrosine.
Molecular consequence: missense variant.
Genome position (GRCh38, 1-based): chr4:665,315, G>T. VCF-style: chr4-665315-G-T. GRCh37 (hg19) VCF-style: chr4-659104-G-T.
Other names: c.2254G>T (NM_000283.3); c.2254G>T, p.Asp752Tyr (NM_001145291.2); c.1417G>T, p.Asp473Tyr (NM_001145292.2, NM_001350154.3, NM_001379246.1 and 1 more transcripts); c.1099G>T, p.Asp367Tyr (NM_001350155.3); short protein forms D473Y, D367Y, D752Y.
Identifiers: ClinVar variation 1038602 (VCV001038602.11), dbSNP rs200667817, ClinGen allele CA2794960.